The following is an entry in ClinVar:

ClinVar aggregate classification (germline): Uncertain significance. Review status: criteria provided, multiple submitters, no conflicts (2 of 4 stars). 5 submissions from 5 submitters: Uncertain significance (3). 2 of the submissions do not count toward it. Last evaluated 2025-04-08.

Conditions:
HEMOGLOBIN TYNE.
beta Thalassemia (BTHAL). Also called: Cooley's anemia; Erythroblastic anemia; Mediterranean anemia. Identifiers: Orphanet 848, MedGen C0005283, MONDO:0019402. Disease mechanism: loss of function.

Allele frequency attached by ClinVar (database versions not stated): 1000 Genomes Project 30x 0.00016; TOPMed below 0.00001; ExAC 0.00001; 1000 Genomes Project 0.00020.
gnomAD v4.1: 26 of 1,610,008 alleles (0.0016%); highest among the groups gnomAD compares: South Asian, 0.0022%; no homozygotes.

Submissions (5):

Women's Health and Genetics/Laboratory Corporation of America, LabCorp
Classification: Uncertain significance. Last evaluated: 2025-04-08. Review status: criteria provided, single submitter. Criteria: LabCorp Variant Classification Summary - May 2015. Collection method: clinical testing. Allele origin: germline.
Comment: Variant summary: HBB c.16C>T (p.Pro6Ser) results in a non-conservative amino acid change located in the Globin domain (IPR000971) of the encoded protein sequence. Four of five in-silico tools predict a benign effect of the variant on protein function. The variant allele was found at a frequency of 4e-06 in 251132 control chromosomes. The available data on variant occurrences in the general population are insufficient to allow any conclusion about variant significance. c.16C>T has been reported in the literature in at-least one compound heterozygous individual affected with Hemoglobinopathy (example: Kayisli_2005). The variant was also reported in a severely anemic patient with a truncating variant in cis and a pathogenic splice variant in trans (example: Agarwal_1997). These data do not allow any conclusion about variant significance. To our knowledge, no experimental evidence demonstrating an impact on protein function has been reported. The following publications have been ascertained in the context of this evaluation (PMID: 7852088, 19254853, 9371533, 11074564, 27264516, 17994378). ClinVar contains an entry for this variant (Variation ID: 15540). Based on the evidence outlined above, the variant was classified as uncertain significance.

ARUP Laboratories, Molecular Genetics and Genomics, ARUP Laboratories
Classification: Uncertain significance. Last evaluated: 2021-11-02. Review status: criteria provided, single submitter. Criteria: ARUP Molecular Germline Variant Investigation Process 2021. Collection method: clinical testing. Allele origin: germline.
Comment: The Hb Tyne variant (HBB: c.16C>T; p.Pro6Ser, also known as Pro5Ser when numbered from the mature protein; rs33912272) has been described in the heterozygous state in individuals with normal hematological findings (Pullon 2017, HbVar database and references therein). However, the variant has also been observed in an individual with a clinical diagnosis of beta thalassemia who also carried HbS (Keser 2010). The proline at codon 5 is weakly conserved, and computational programs (PolyPhen-2, SIFT) predict that this variant is tolerated, although isopropanol stability tests indicate this variant is slightly unstable (Pullon 2017, HbVar database). Due to limited information regarding this variant, its clinical significance cannot be determined with certainty. References: Link to HbVar database: Keser I et al. Abnormal hemoglobins associated with the beta-globin gene in Antalya province, Turkey. Turk J Med Sci. 2010;40(1): 127-131. Pullon BM and Brennan SO. Two familial cases of Hb Tyne confirm instability as cause of low expression. Thalassemia Reports. 2017; 7(1).

Quest Diagnostics Nichols Institute San Juan Capistrano
Classification: Uncertain significance. Last evaluated: 2018-02-02. Review status: criteria provided, single submitter. Criteria: Quest Diagnostics criteria. Collection method: clinical testing. Allele origin: germline.

Natera, Inc.
Classification: Uncertain significance for Beta thalassemia. Last evaluated: 2021-04-27. Review status: no assertion criteria provided. Collection method: clinical testing. Allele origin: germline. Not counted in ClinVar's aggregate classification.

OMIM
Classification: other for HEMOGLOBIN TYNE. Last evaluated: 2017-12-12. Review status: no assertion criteria provided. Collection method: literature only. Allele origin: germline. Not counted in ClinVar's aggregate classification.

Literature cited by the submitters: PubMed 7852088 (cited by Women's Health and Genetics/Laboratory Corporation of America, LabCorp and OMIM); PubMed 19254853 (cited by Women's Health and Genetics/Laboratory Corporation of America, LabCorp); PubMed 9371533 (cited by Women's Health and Genetics/Laboratory Corporation of America, LabCorp); PubMed 11074564 (cited by Women's Health and Genetics/Laboratory Corporation of America, LabCorp); PubMed 27264516 (cited by Women's Health and Genetics/Laboratory Corporation of America, LabCorp); PubMed 17994378 (cited by Women's Health and Genetics/Laboratory Corporation of America, LabCorp).

NM_000518.5(HBB):c.16C>T (p.Pro6Ser)

Genes: HBB (hemoglobin subunit beta; minus strand), LOC106099062 (HBB recombination region; plus strand), LOC107133510 (origin of replication at HBB; plus strand). Cytogenetic location: 11p15.4.
Variant type: single nucleotide variant.
Coding change: c.16C>T on transcript NM_000518.5 (MANE Select); coding-DNA position 16, C replaced by T.
Protein change: p.Pro6Ser; replaces proline 6 with serine.
Molecular consequence: missense variant.
Genome position (GRCh38, 1-based): chr11:5,227,006, G>A on the plus strand (C>T on the coding strand, the complement: HBB is on the minus strand). VCF-style: chr11-5227006-G-A. GRCh37 (hg19) VCF-style: chr11-5248236-G-A.
Other names: P5S; Hb Tyne; short protein forms P6S.
Identifiers: ClinVar variation 15540 (VCV000015540.16), dbSNP rs33912272, ClinGen allele CA125420.